The following is an entry in ClinVar:

ClinVar aggregate classification (germline): Likely benign (1 of 4 stars; one submission).

Conditions:
VDR-related disorder. Also called: VDR-related condition.

gnomAD v4.1: 89 of 827,640 alleles (0.011%); highest among the groups gnomAD compares: South Asian, 0.14%; no homozygotes.

Submission:

PreventionGenetics, part of Exact Sciences
Classification: Likely benign for VDR-related condition. Last evaluated: 2026-07-29. Review status: criteria provided, single submitter. Criteria: ACMG Guidelines, 2015. Collection method: clinical testing. Allele origin: germline.
Comment: This variant is classified as likely benign based on ACMG/AMP sequence variant interpretation guidelines (Richards et al. 2015 PMID: 25741868, with internal and published modifications).

NM_000376.3(VDR):c.*180G>A

Gene: VDR (vitamin D receptor; minus strand). Cytogenetic location: 12q13.11.
Variant type: single nucleotide variant.
Coding change: c.*180G>A on transcript NM_000376.3 (MANE Select); 180 bases downstream of the stop codon, G replaced by A.
Molecular consequence: 3 prime UTR variant. On other transcripts: synonymous variant (1).
Genome position (GRCh38, 1-based): chr12:47,844,566, C>T on the plus strand (G>A on the coding strand, the complement: VDR is on the minus strand). VCF-style: chr12-47844566-C-T. GRCh37 (hg19) VCF-style: chr12-48238349-C-T.
Other names: c.*180G>A (NM_001017535.2, NM_001017536.2, NM_001374661.1 and 1 more transcripts); c.1464G>A, p.Ala488= (NM_001364085.2).
Identifiers: ClinVar variation 4978393 (VCV004978393.1).